The following is an entry in ClinVar:

NM_001130823.3(DNMT1):c.2018A>G (p.Glu673Gly)

Gene: DNMT1 (DNA methyltransferase 1; minus strand). Cytogenetic location: 19p13.2.
Variant type: single nucleotide variant.
Coding change: c.2018A>G on transcript NM_001130823.3 (MANE Select); coding-DNA position 2018, A replaced by G.
Protein change: p.Glu673Gly; replaces glutamic acid 673 with glycine.
Molecular consequence: missense variant.
Genome position (GRCh38, 1-based): chr19:10,154,294, T>C on the plus strand (A>G on the coding strand, the complement: DNMT1 is on the minus strand). VCF-style: chr19-10154294-T-C. GRCh37 (hg19) VCF-style: chr19-10264970-T-C.
Other names: c.2018A>G (LRG_362t1); c.1970A>G, p.Glu657Gly (NM_001318730.2, NM_001379.4); c.1655A>G, p.Glu552Gly (NM_001318731.2); short protein forms E673G, E552G, E657G.
Identifiers: ClinVar variation 539608 (VCV000539608.8), dbSNP rs1555691311, ClinGen allele CA403933038.
Genomic context (GRCh38, chr19:10,154,294, plus strand): 5'-AGATCAGGCCAGAGGCTGGGCCACCTTAGGGGAGCGGGAGCACCCACAGGTGAGGTTACC[T>C]CACAGACGCCACATCGCCGGCGCTTAAAGGCGTTCTCCTTGTCTTCTCTGTCATCCTTTT-3'
Protein context (NP_001124295.1, residues 663-683): AFKRRRCGVC[Glu673Gly]VCQQPECGKC

ClinVar aggregate classification (germline): Uncertain significance (1 of 4 stars; one submission).

Conditions:
Hereditary sensory neuropathy-deafness-dementia syndrome. Also called: Hereditary sensory neuropathy type IE; NEUROPATHY, HEREDITARY SENSORY, WITH HEARING LOSS AND DEMENTIA; Hereditary Sensory and Autonomic Neuropathy Type 1E (HSAN1E); HSN IE. Identifiers: Orphanet 456318, MedGen C3279885, MONDO:0013584, OMIM 614116.

Submission:

Labcorp Genetics (formerly Invitae), Labcorp
Classification: Uncertain significance for Hereditary sensory neuropathy-deafness-dementia syndrome. Last evaluated: 2020-09-15. Review status: criteria provided, single submitter. Criteria: Invitae Variant Classification Sherloc (09022015). Collection method: clinical testing. Allele origin: germline.
Comment: In summary, the available evidence is currently insufficient to determine the role of this variant in disease. Therefore, it has been classified as a Variant of Uncertain Significance. Algorithms developed to predict the effect of sequence changes on RNA splicing suggest that this variant may disrupt the consensus splice site, but this prediction has not been confirmed by published transcriptional studies. Algorithms developed to predict the effect of missense changes on protein structure and function do not agree on the potential impact of this missense change (SIFT: "Deleterious"; PolyPhen-2: "Probably Damaging"; Align-GVGD: "Class C0"). This variant has not been reported in the literature in individuals with DNMT1-related disease. This variant is not present in population databases (ExAC no frequency). This sequence change replaces glutamic acid with glycine at codon 673 of the DNMT1 protein (p.Glu673Gly). The glutamic acid residue is highly conserved and there is a moderate physicochemical difference between glutamic acid and glycine.